The following is an entry in ClinVar:

ClinVar aggregate classification (germline): Uncertain significance (1 of 4 stars; one submission).

Conditions:
Neuropathy, hereditary sensory and autonomic, type 2A (HSAN2A). Also called: ACROOSTEOLYSIS, GIACCAI TYPE; ACROOSTEOLYSIS, NEUROGENIC; MORVAN DISEASE; NEUROPATHY, CONGENITAL SENSORY; NEUROPATHY, HEREDITARY SENSORY RADICULAR, AUTOSOMAL RECESSIVE; NEUROPATHY, HEREDITARY SENSORY, TYPE IIA. Identifiers: Orphanet 970, MedGen C2752089, MONDO:0024309, OMIM 201300.
Pseudohypoaldosteronism type 2C (PHA2C). Also called: Pseudohypoaldosteronism Type IIC. Identifiers: Orphanet 757, Orphanet 88940, MedGen C1840391, MONDO:0013778, OMIM 614492.

Allele frequency attached by ClinVar (database versions not stated): ExAC 0.00003.
gnomAD v4.1: 10 of 1,612,246 alleles (0.00062%); highest among the groups gnomAD compares: East Asian, 0.022%; no homozygotes.

Submission:

Labcorp Genetics (formerly Invitae), Labcorp
Classification: Uncertain significance for Neuropathy, hereditary sensory and autonomic, type 2A; Pseudohypoaldosteronism type 2C. Last evaluated: 2024-10-09. Review status: criteria provided, single submitter. Criteria: Invitae Variant Classification Sherloc (09022015). Collection method: clinical testing. Allele origin: germline.
Comment: This sequence change replaces arginine, which is basic and polar, with leucine, which is neutral and non-polar, at codon 66 of the WNK1 protein (p.Arg66Leu). This variant is present in population databases (rs756078362, gnomAD 0.03%). This variant has not been reported in the literature in individuals affected with WNK1-related conditions. ClinVar contains an entry for this variant (Variation ID: 1394698). Invitae Evidence Modeling of protein sequence and biophysical properties (such as structural, functional, and spatial information, amino acid conservation, physicochemical variation, residue mobility, and thermodynamic stability) indicates that this missense variant is not expected to disrupt WNK1 protein function with a negative predictive value of 95%. In summary, the available evidence is currently insufficient to determine the role of this variant in disease. Therefore, it has been classified as a Variant of Uncertain Significance.

NM_018979.4(WNK1):c.197G>T (p.Arg66Leu)

Gene: WNK1 (WNK lysine deficient protein kinase 1; plus strand). Cytogenetic location: 12p13.33.
Variant type: single nucleotide variant.
Coding change: c.197G>T on transcript NM_018979.4 (MANE Select); coding-DNA position 197, G replaced by T.
Protein change: p.Arg66Leu; replaces arginine 66 with leucine.
Molecular consequence: missense variant.
Genome position (GRCh38, 1-based): chr12:753,762, G>T. VCF-style: chr12-753762-G-T. GRCh37 (hg19) VCF-style: chr12-862928-G-T.
Other names: c.197G>T, p.Arg66Leu (NM_001184985.2, NM_014823.3, NM_213655.5); short protein forms R66L.
Identifiers: ClinVar variation 1394698 (VCV001394698.6), dbSNP rs756078362, ClinGen allele CA6381738.